The following is an entry in ClinVar:

NM_000286.3(PEX12):c.915A>T (p.Pro305=)

Gene: PEX12 (peroxisomal biogenesis factor 12; minus strand). Cytogenetic location: 17q12.
Variant type: single nucleotide variant.
Coding change: c.915A>T on transcript NM_000286.3 (MANE Select); coding-DNA position 915, A replaced by T.
Protein change: p.Pro305=; no amino-acid change (proline 305 retained).
Molecular consequence: synonymous variant.
Genome position (GRCh38, 1-based): chr17:35,575,947, T>A on the plus strand (A>T on the coding strand, the complement: PEX12 is on the minus strand). VCF-style: chr17-35575947-T-A. GRCh37 (hg19) VCF-style: chr17-33902966-T-A.
Other names: c.915A>T (NM_000286.2).
Identifiers: ClinVar variation 1615648 (VCV001615648.9), dbSNP rs748595918, ClinGen allele CA8504820.

ClinVar aggregate classification (germline): Likely benign. Review status: criteria provided, single submitter (1 of 4 stars). 2 submissions from 2 submitters: Likely benign (1). 1 of the submissions does not count toward it. Last evaluated 2024-01-11.

Conditions:
PEX12-related disorder. Also called: PEX12-related condition; PEX12-related disorders.
Peroxisome biogenesis disorder 3A (Zellweger). Also called: PEROXISOMAL BIOGENESIS DISORDER 3A (ZELLWEGER); Peroxisome biogenesis disorder 3A. Identifiers: Orphanet 912, MedGen C3553929, MONDO:0013927, OMIM 614859.

Allele frequency attached by ClinVar (database versions not stated): ExAC 0.00002; gnomAD exomes 0.00002.

Submissions (2):

Labcorp Genetics (formerly Invitae), Labcorp
Classification: Likely benign for Peroxisome biogenesis disorder 3A (Zellweger). Last evaluated: 2024-01-11. Review status: criteria provided, single submitter. Criteria: Invitae Variant Classification Sherloc (09022015). Collection method: clinical testing. Allele origin: germline.

PreventionGenetics, part of Exact Sciences
Classification: Likely benign for PEX12-related condition. Last evaluated: 2024-07-17. Review status: no assertion criteria provided. Collection method: clinical testing. Allele origin: germline. Not counted in ClinVar's aggregate classification.
Comment: This variant is classified as likely benign based on ACMG/AMP sequence variant interpretation guidelines (Richards et al. 2015 PMID: 25741868, with internal and published modifications).